The following is an entry in ClinVar:

NM_000273.3(GPR143):c.352G>A (p.Gly118Arg)

Gene: GPR143 (G protein-coupled receptor 143; minus strand). Cytogenetic location: Xp22.2.
Variant type: single nucleotide variant.
Coding change: c.352G>A on transcript NM_000273.3 (MANE Select); coding-DNA position 352, G replaced by A.
Protein change: p.Gly118Arg; replaces glycine 118 with arginine.
Molecular consequence: missense variant.
Genome position (GRCh38, 1-based): chrX:9,760,725, C>T on the plus strand (G>A on the coding strand, the complement: GPR143 is on the minus strand). VCF-style: chrX-9760725-C-T. GRCh37 (hg19) VCF-style: chrX-9728765-C-T.
Other names: short protein forms G118R.
Identifiers: ClinVar variation 1695732 (VCV001695732.7), dbSNP rs2146700794, ClinGen allele CA411999041.
Genomic context (GRCh38, chrX:9,760,725, plus strand): 5'-ATTTGAGGAGCATAAGTAGGGAGGAGAGGGCATGCAGAGGGGGTGGACTCACCGCACTCC[C>T]CACGCAGAAAGCAGCAGGCCAAATTTCCGTGTGGTTCATATCCGAGACGCTGTCAACAAA-3'
Protein context (NP_000264.2, residues 108-128): TEIWPAAFCV[Gly118Arg]SAMWIQLLYS

ClinVar aggregate classification (germline): Conflicting classifications of pathogenicity. Review status: criteria provided, conflicting classifications (1 of 4 stars). 2 submissions from 2 submitters: Likely pathogenic (1); Uncertain significance (1). Last evaluated 2024-10-22.

Submissions (2):

Labcorp Genetics (formerly Invitae), Labcorp
Classification: Uncertain significance. Last evaluated: 2024-10-22. Review status: criteria provided, single submitter. Criteria: Invitae Variant Classification Sherloc (09022015). Collection method: clinical testing. Allele origin: germline.
Comment: This sequence change replaces glycine, which is neutral and non-polar, with arginine, which is basic and polar, at codon 118 of the GPR143 protein (p.Gly118Arg). This variant is not present in population databases (gnomAD no frequency). This missense change has been observed in individual(s) with ocular albinism (PMID: 29345414). ClinVar contains an entry for this variant (Variation ID: 1695732). Invitae Evidence Modeling of protein sequence and biophysical properties (such as structural, functional, and spatial information, amino acid conservation, physicochemical variation, residue mobility, and thermodynamic stability) has been performed for this missense variant. However, the output from this modeling did not meet the statistical confidence thresholds required to predict the impact of this variant on GPR143 protein function. This variant disrupts the p.Gly118 amino acid residue in GPR143. Other variant(s) that disrupt this residue have been observed in individuals with GPR143-related conditions (PMID: 9529334, 28339057, 29345414), which suggests that this may be a clinically significant amino acid residue. In summary, the available evidence is currently insufficient to determine the role of this variant in disease. Therefore, it has been classified as a Variant of Uncertain Significance.

GeneDx
Classification: Likely pathogenic. Last evaluated: 2022-01-06. Review status: criteria provided, single submitter. Criteria: GeneDx Variant Classification Process June 2021. Collection method: clinical testing. Allele origin: germline. Affected: yes.
Comment: Not observed at significant frequency in large population cohorts (gnomAD); In silico analysis supports that this missense variant has a deleterious effect on protein structure/function; This variant is associated with the following publications: (PMID: 29345414)

Literature cited by the submitters: PubMed 29345414 (cited by Labcorp Genetics (formerly Invitae), Labcorp); PubMed 9529334 (cited by Labcorp Genetics (formerly Invitae), Labcorp); PubMed 28339057 (cited by Labcorp Genetics (formerly Invitae), Labcorp).